The following is an entry in ClinVar:

NM_000071.3(CBS):c.1468-6T>G

Gene: CBS (cystathionine beta-synthase; minus strand). Cytogenetic location: 21q22.3.
Variant type: single nucleotide variant.
Coding change: c.1468-6T>G on transcript NM_000071.3 (MANE Select); 6 bases into the intron before coding-DNA position 1468, T replaced by G.
Molecular consequence: intron variant.
Genome position (GRCh38, 1-based): chr21:43,056,893, A>C on the plus strand (T>G on the coding strand, the complement: CBS is on the minus strand). VCF-style: chr21-43056893-A-C. GRCh37 (hg19) VCF-style: chr21-44477003-A-C.
Other names: c.1468-6T>G (NM_001320298.2, NM_001178009.3, NM_001178008.3); c.1153-6T>G (NM_001321072.1).
Identifiers: ClinVar variation 843358 (VCV000843358.8), dbSNP rs771250766, ClinGen allele CA321686681.

ClinVar aggregate classification (germline): Uncertain significance. Review status: criteria provided, single submitter (1 of 4 stars). 2 submissions from 2 submitters: Uncertain significance (1). 1 of the submissions does not count toward it. Last evaluated 2024-10-29.

Conditions:
Classic homocystinuria. Also called: Homocystinuria due to CBS deficiency; Cystathionine beta-synthase deficiency; CBS deficiency; Homocystinuria due to Cystathionine Beta-Synthase Deficiency; HOMOCYSTINURIA WITH OR WITHOUT RESPONSE TO PYRIDOXINE. Identifiers: Orphanet 394, MedGen C0751202, MONDO:0009352, OMIM 236200.
HYPERHOMOCYSTEINEMIA, THROMBOTIC, CBS-RELATED. Identifiers: MedGen C3150344, OMIM 236200.

Allele frequency attached by ClinVar (database versions not stated): gnomAD exomes 0.00005; ExAC 0.00018.

Submissions (2):

Labcorp Genetics (formerly Invitae), Labcorp
Classification: Uncertain significance for HYPERHOMOCYSTEINEMIA, THROMBOTIC, CBS-RELATED. Last evaluated: 2024-10-29. Review status: criteria provided, single submitter. Criteria: Invitae Variant Classification Sherloc (09022015). Collection method: clinical testing. Allele origin: germline.
Comment: This sequence change falls in intron 15 of the CBS gene. It does not directly change the encoded amino acid sequence of the CBS protein. This variant is present in population databases (rs771250766, gnomAD 0.03%). This variant has not been reported in the literature in individuals affected with CBS-related conditions. ClinVar contains an entry for this variant (Variation ID: 843358). Algorithms developed to predict the effect of sequence changes on RNA splicing suggest that this variant may disrupt the consensus splice site. In summary, the available evidence is currently insufficient to determine the role of this variant in disease. Therefore, it has been classified as a Variant of Uncertain Significance.

Natera, Inc.
Classification: Uncertain significance for Homocystinuria due to cystathionine beta-synthase deficiency. Last evaluated: 2020-09-16. Review status: no assertion criteria provided. Collection method: clinical testing. Allele origin: germline. Not counted in ClinVar's aggregate classification.